The following is an entry in ClinVar:

NM_005223.4(DNASE1):c.553G>A (p.Val185Ile)

Gene: DNASE1 (deoxyribonuclease 1; plus strand). Cytogenetic location: 16p13.3.
Variant type: single nucleotide variant.
Coding change: c.553G>A on transcript NM_005223.4 (MANE Select); coding-DNA position 553, G replaced by A.
Protein change: p.Val185Ile; replaces valine 185 with isoleucine.
Molecular consequence: missense variant. On other transcripts: non-coding transcript variant (2).
Genome position (GRCh38, 1-based): chr16:3,657,190, G>A. VCF-style: chr16-3657190-G-A. GRCh37 (hg19) VCF-style: chr16-3707191-G-A.
Other names: p.Val185Ile; c.553G>A (NM_005223.3); c.553G>A, p.Val185Ile (NM_001351825.2, NM_001387135.1, NM_001387140.1); c.622G>A, p.Val208Ile (NM_001387139.1); c.346G>A, p.Val116Ile (NM_001387141.1); short protein forms V116I, V185I, V208I.
Identifiers: ClinVar variation 3024903 (VCV003024903.24), dbSNP rs74892550, ClinGen allele CA7867378.

ClinVar aggregate classification (germline): Likely benign. Review status: criteria provided, multiple submitters, no conflicts (2 of 4 stars). 3 submissions from 3 submitters: Likely benign (2). 1 of the submissions does not count toward it. Last evaluated 2026-03-01.

Conditions:
DNASE1-related disorder. Also called: DNASE1-related condition.

Allele frequency attached by ClinVar (database versions not stated): 1000 Genomes Project 0.00120; 1000 Genomes Project 30x 0.00156; TOPMed 0.00297; ExAC 0.00346; gnomAD 0.00411; ESP Exome Variant Server 0.00416; gnomAD exomes 0.00580.
gnomAD v4.1: 9,143 of 1,614,106 alleles (0.57%); highest among the groups gnomAD compares: Non-Finnish European, 0.67%; 38 homozygotes.

Submissions (3):

CeGaT Center for Human Genetics Tuebingen
Classification: Likely benign. Last evaluated: 2026-03-01. Review status: criteria provided, single submitter. Criteria: CeGaT Center For Human Genetics Tuebingen Variant Classification Criteria Version 2. Collection method: clinical testing. Allele origin: germline. Affected: yes. Observed: 4 variant alleles.
Comment: DNASE1: BP4, BS2

Mayo Clinic Laboratories, Mayo Clinic
Classification: Likely benign. Last evaluated: 2024-12-23. Review status: criteria provided, single submitter. Criteria: ACMG Guidelines, 2015. Collection method: clinical testing. Allele origin: germline. Observed: 4 variant alleles.
Comment: BS2, BS3_supporting

PreventionGenetics, part of Exact Sciences
Classification: Benign for DNASE1-related condition. Last evaluated: 2020-08-04. Review status: no assertion criteria provided. Collection method: clinical testing. Allele origin: germline. Not counted in ClinVar's aggregate classification.
Comment: This variant is classified as benign based on ACMG/AMP sequence variant interpretation guidelines (Richards et al. 2015 PMID: 25741868, with internal and published modifications).

Literature cited by the submitters: PubMed 24206041 (cited by Mayo Clinic Laboratories, Mayo Clinic); PubMed 24819173 (cited by Mayo Clinic Laboratories, Mayo Clinic); PubMed 31541133 (cited by Mayo Clinic Laboratories, Mayo Clinic).